The following is an entry in ClinVar:

ClinVar aggregate classification (germline): Uncertain significance. Review status: criteria provided, single submitter (1 of 4 stars). 2 submissions from 2 submitters: Uncertain significance (1). 1 of the submissions does not count toward it. Last evaluated 2021-09-06.

Conditions:
Alstrom syndrome (ALMS). Identifiers: Orphanet 64, MedGen C0268425, MONDO:0008763, OMIM 203800.

Allele frequency attached by ClinVar (database versions not stated): TOPMed below 0.00001.

Submissions (2):

Labcorp Genetics (formerly Invitae), Labcorp
Classification: Uncertain significance for Alstrom syndrome. Last evaluated: 2021-09-06. Review status: criteria provided, single submitter. Criteria: Invitae Variant Classification Sherloc (09022015). Collection method: clinical testing. Allele origin: germline.
Comment: This sequence change replaces proline with alanine at codon 805 of the ALMS1 protein (p.Pro805Ala). The proline residue is weakly conserved and there is a small physicochemical difference between proline and alanine. This variant is not present in population databases (ExAC no frequency). This variant has not been reported in the literature in individuals affected with ALMS1-related conditions. Experimental studies and prediction algorithms are not available or were not evaluated, and the functional significance of this variant is currently unknown. In summary, the available evidence is currently insufficient to determine the role of this variant in disease. Therefore, it has been classified as a Variant of Uncertain Significance.

Natera, Inc.
Classification: Uncertain significance for Alstrom syndrome. Last evaluated: 2025-01-30. Review status: no assertion criteria provided. Collection method: clinical testing. Allele origin: germline. Not counted in ClinVar's aggregate classification.

NM_001378454.1(ALMS1):c.2410C>G (p.Pro804Ala)

Gene: ALMS1 (ALMS1 centrosome and basal body associated protein; plus strand). Cytogenetic location: 2p13.1.
Variant type: single nucleotide variant.
Coding change: c.2410C>G on transcript NM_001378454.1 (MANE Select); coding-DNA position 2410, C replaced by G.
Protein change: p.Pro804Ala; replaces proline 804 with alanine.
Molecular consequence: missense variant.
Genome position (GRCh38, 1-based): chr2:73,448,937, C>G. VCF-style: chr2-73448937-C-G. GRCh37 (hg19) VCF-style: chr2-73676064-C-G.
Other names: c.2413C>G, p.Pro805Ala (NM_015120.4); short protein forms P805A, P804A.
Identifiers: ClinVar variation 1488533 (VCV001488533.4), dbSNP rs1391556218, ClinGen allele CA347269984.